The following is an entry in ClinVar:

ClinVar aggregate classification (germline): Uncertain significance. Review status: criteria provided, multiple submitters, no conflicts (2 of 4 stars). 2 submissions from 2 submitters: Uncertain significance (2). Last evaluated 2024-03-30.

Conditions:
Autosomal dominant nonsyndromic hearing loss 6 (LFSNHL). Also called: DEAFNESS, AUTOSOMAL DOMINANT 6; DEAFNESS, AUTOSOMAL DOMINANT 14; DEAFNESS, AUTOSOMAL DOMINANT 38; Autosomal dominant nonsyndromic deafness 6. Identifiers: Orphanet 90635, MedGen C1833021, MONDO:0010963, OMIM 600965.
Wolfram-like syndrome. Also called: HEARING LOSS, PROGRESSIVE, WITH OPTIC ATROPHY AND/OR IMPAIRED GLUCOSE REGULATION. Identifiers: Orphanet 411590, MedGen C3280358, MONDO:0013673, OMIM 614296.
Type 2 diabetes mellitus. Also called: Type II diabetes mellitus. Identifiers: MedGen C0011860, MeSH D003924, MONDO:0005148, OMIM 125853, HP:0005978.
Wolfram syndrome 1 (WFS1). Identifiers: Orphanet 3463, MedGen C4551693, MONDO:0009101, OMIM 222300.
Cataract 41 (CTRCT41). Also called: CATARACT 41, CONGENITAL NUCLEAR TYPE. Identifiers: Orphanet 91492, Orphanet 98991, Orphanet 98992, Orphanet 98995, MedGen C3805412, MONDO:0007287, OMIM 116400.

Allele frequency attached by ClinVar (database versions not stated): TOPMed below 0.00001.
gnomAD v4.1: 4 of 1,613,674 alleles (0.00025%); highest among the groups gnomAD compares: African/African-American, 0.0027%; no homozygotes.

Submissions (2):

Fulgent Genetics
Classification: Uncertain significance for Cataract 41; Type 2 diabetes mellitus; Wolfram syndrome 1; Autosomal dominant nonsyndromic hearing loss 6; Wolfram-like syndrome. Last evaluated: 2024-03-30. Review status: criteria provided, single submitter. Criteria: ACMG Guidelines, 2015. Collection method: clinical testing. Allele origin: germline.

Labcorp Genetics (formerly Invitae), Labcorp
Classification: Uncertain significance. Last evaluated: 2024-02-06. Review status: criteria provided, single submitter. Criteria: Invitae Variant Classification Sherloc (09022015). Collection method: clinical testing. Allele origin: germline.
Comment: This sequence change replaces threonine, which is neutral and polar, with isoleucine, which is neutral and non-polar, at codon 442 of the WFS1 protein (p.Thr442Ile). This variant is not present in population databases (gnomAD no frequency). This variant has not been reported in the literature in individuals affected with WFS1-related conditions. Advanced modeling of protein sequence and biophysical properties (such as structural, functional, and spatial information, amino acid conservation, physicochemical variation, residue mobility, and thermodynamic stability) performed at Invitae indicates that this missense variant is not expected to disrupt WFS1 protein function with a negative predictive value of 95%. In summary, the available evidence is currently insufficient to determine the role of this variant in disease. Therefore, it has been classified as a Variant of Uncertain Significance.

NM_006005.3(WFS1):c.1325C>T (p.Thr442Ile)

Gene: WFS1 (wolframin ER transmembrane glycoprotein; plus strand). Cytogenetic location: 4p16.1.
Variant type: single nucleotide variant.
Coding change: c.1325C>T on transcript NM_006005.3 (MANE Select); coding-DNA position 1325, C replaced by T.
Protein change: p.Thr442Ile; replaces threonine 442 with isoleucine.
Molecular consequence: missense variant.
Genome position (GRCh38, 1-based): chr4:6,301,120, C>T. VCF-style: chr4-6301120-C-T. GRCh37 (hg19) VCF-style: chr4-6302847-C-T.
Other names: c.1325C>T, p.Thr442Ile (NM_001145853.1); short protein forms T442I.
Identifiers: ClinVar variation 2793721 (VCV002793721.4), dbSNP rs775922395, ClinGen allele CA356174681.